The following is an entry in ClinVar:

NM_015275.3(WASHC4):c.2133dup (p.Ser712fs)

Gene: WASHC4 (WASH complex subunit 4; plus strand). Cytogenetic location: 12q23.3.
Variant type: Duplication.
Coding change: c.2133dup on transcript NM_015275.3 (MANE Select); coding-DNA position 2133, one base duplicated (C; older notation c.2133dupC).
Protein change: p.Ser712fs; shifts the reading frame from serine 712.
Molecular consequence: frameshift variant.
Genome position (GRCh38, 1-based): chr12:105,144,409, C duplicated. VCF-style (leftmost placement, unchanged base first): chr12-105144408-T-TC. GRCh37 (hg19) VCF-style: chr12-105538186-T-TC.
Other names: c.2136dup, p.Ser713fs (NM_001293640.2); short protein forms S712fs, S713fs.
Identifiers: ClinVar variation 1878289 (VCV001878289.1), dbSNP rs2502685643, ClinGen allele CA2580085734.

ClinVar aggregate classification (germline): Likely pathogenic (1 of 4 stars; one submission).

Conditions:
Intellectual developmental disorder, autosomal recessive 43. Also called: Intellectual disability, autosomal recessive 43. Identifiers: Orphanet 88616, MedGen C4014386, MONDO:0014354, OMIM 615817.

Allele frequency attached by ClinVar (database versions not stated): gnomAD exomes below 0.00001.

Submission:

Women's Health and Genetics/Laboratory Corporation of America, LabCorp
Classification: Likely pathogenic for Intellectual developmental disorder, autosomal recessive 43. Last evaluated: 2022-12-12. Review status: criteria provided, single submitter. Criteria: LabCorp Variant Classification Summary - May 2015. Collection method: clinical testing. Allele origin: germline.
Comment: Variant summary: KIAA1033/WASHC4 c.2133dupC (p.Ser712LeufsX13) results in a premature termination codon, predicted to cause a truncation of the encoded protein or absence of the protein due to nonsense mediated decay, which are commonly known mechanisms for disease. The variant was absent in 249394 control chromosomes (gnomAD). To our knowledge, no occurrence of c.2133dupC in individuals affected with Intellectual Disability, Autosomal Recessive 43 and no experimental evidence demonstrating its impact on protein function have been reported. No clinical diagnostic laboratories have submitted clinical-significance assessments for this variant to ClinVar after 2014. Based on the evidence outlined above, the variant was classified as likely pathogenic.